The following is an entry in ClinVar:

NM_000214.3(JAG1):c.1258C>A (p.Pro420Thr)

Gene: JAG1 (jagged canonical Notch ligand 1; minus strand). Cytogenetic location: 20p12.2.
Variant type: single nucleotide variant.
Coding change: c.1258C>A on transcript NM_000214.3 (MANE Select); coding-DNA position 1258, C replaced by A.
Protein change: p.Pro420Thr; replaces proline 420 with threonine.
Molecular consequence: missense variant.
Genome position (GRCh38, 1-based): chr20:10,649,612, G>T on the plus strand (C>A on the coding strand, the complement: JAG1 is on the minus strand). VCF-style: chr20-10649612-G-T. GRCh37 (hg19) VCF-style: chr20-10630260-G-T.
Other names: short protein forms P420T.
Identifiers: ClinVar variation 2840998 (VCV002840998.3), dbSNP rs1477546681, ClinGen allele CA408238290.

ClinVar aggregate classification (germline): Uncertain significance (1 of 4 stars; one submission).

Conditions:
Alagille syndrome due to a JAG1 point mutation. Also called: Alagille Syndrome 1; JAG1-Related Alagille Syndrome; HEPATIC DUCTULAR HYPOPLASIA, SYNDROMATIC. Identifiers: Orphanet 261619, Orphanet 52, MedGen C1956125, MONDO:0016862, OMIM 118450.

Submission:

Labcorp Genetics (formerly Invitae), Labcorp
Classification: Uncertain significance for Alagille syndrome due to a JAG1 point mutation. Last evaluated: 2023-02-26. Review status: criteria provided, single submitter. Criteria: Invitae Variant Classification Sherloc (09022015). Collection method: clinical testing. Allele origin: germline.
Comment: In summary, the available evidence is currently insufficient to determine the role of this variant in disease. Therefore, it has been classified as a Variant of Uncertain Significance. Advanced modeling of protein sequence and biophysical properties (such as structural, functional, and spatial information, amino acid conservation, physicochemical variation, residue mobility, and thermodynamic stability) has been performed at Invitae for this missense variant, however the output from this modeling did not meet the statistical confidence thresholds required to predict the impact of this variant on JAG1 protein function. This variant has not been reported in the literature in individuals affected with JAG1-related conditions. This variant is not present in population databases (gnomAD no frequency). This sequence change replaces proline, which is neutral and non-polar, with threonine, which is neutral and polar, at codon 420 of the JAG1 protein (p.Pro420Thr).